The following is an entry in ClinVar:

ClinVar aggregate classification (germline): Uncertain significance (1 of 4 stars; one submission).

Submission:

GeneDx
Classification: Uncertain significance. Last evaluated: 2025-05-13. Review status: criteria provided, single submitter. Criteria: GeneDx Variant Classification Process June 2021. Collection method: clinical testing. Allele origin: germline. Affected: yes.
Comment: Not observed at significant frequency in large population cohorts (gnomAD); In silico analysis supports a deleterious effect on splicing; Has not been previously published as pathogenic or benign to our knowledge; Reported using an alternate transcript of the gene

NM_001167623.2(CACNA1C):c.1199T>A (p.Val400Asp)

Gene: CACNA1C (calcium voltage-gated channel subunit alpha1 C; plus strand). Cytogenetic location: 12p13.33.
Variant type: single nucleotide variant.
Coding change: c.1199T>A on transcript NM_001167623.2 (MANE Plus Clinical); coding-DNA position 1199, T replaced by A.
Protein change: p.Val400Asp; replaces valine 400 with aspartic acid.
Molecular consequence: missense variant. On other transcripts: intron variant (19).
Genome position (GRCh38, 1-based): chr12:2,504,521, T>A. VCF-style: chr12-2504521-T-A. GRCh37 (hg19) VCF-style: chr12-2613687-T-A.
Other names: c.1114-321T>A (NM_001129837.2, NM_001129839.2, NM_001129836.2 and 15 more transcripts); c.1105-321T>A (NM_001129844.2); c.1199T>A, p.Val400Asp (NM_001167625.2, NM_001129840.2, NM_001167624.3); short protein forms V400D.
Identifiers: ClinVar variation 4530863 (VCV004530863.1).
Genomic context (GRCh38, chr12:2,504,521, plus strand): 5'-TACCCTGGGTGTATTTTGTCAGTCTGGTCATCTTTGGATCCTTTTTCGTTCTAAATCTGG[T>A]TCTCGGTGTGTTGAGCGGGTAAGCTGACCGTTTCTATGTCCTCTCCACAACGCAGCCGAG-3'
Protein context (NP_001161095.1, residues 390-410): IFGSFFVLNL[Val400Asp]LGVLSGEFSK